The following is an entry in ClinVar:

NM_001211.6(BUB1B):c.283G>A (p.Glu95Lys)

Gene: BUB1B (BUB1 mitotic checkpoint serine/threonine kinase B; plus strand). Cytogenetic location: 15q15.1.
Variant type: single nucleotide variant.
Coding change: c.283G>A on transcript NM_001211.6 (MANE Select); coding-DNA position 283, G replaced by A.
Protein change: p.Glu95Lys; replaces glutamic acid 95 with lysine.
Molecular consequence: missense variant.
Genome position (GRCh38, 1-based): chr15:40,170,580, G>A. VCF-style: chr15-40170580-G-A. GRCh37 (hg19) VCF-style: chr15-40462781-G-A.
Other names: short protein forms E95K.
Identifiers: ClinVar variation 1796703 (VCV001796703.2), dbSNP rs1206351353, ClinGen allele CA391679034.

ClinVar aggregate classification (germline): Uncertain significance (1 of 4 stars; one submission).

Conditions:
Inborn genetic diseases. Identifiers: MedGen C0950123, MeSH D030342.

gnomAD v4.1: 3 of 1,613,178 alleles (0.00019%); highest among the groups gnomAD compares: African/African-American, 0.004%; no homozygotes.

Submission:

Ambry Genetics
Classification: Uncertain significance for Inborn genetic diseases. Last evaluated: 2022-04-21. Review status: criteria provided, single submitter. Criteria: Ambry Variant Classification Scheme 2023. Collection method: clinical testing. Allele origin: germline.
Comment: The p.E95K variant (also known as c.283G>A), located in coding exon 4 of the BUB1B gene, results from a G to A substitution at nucleotide position 283. The glutamic acid at codon 95 is replaced by lysine, an amino acid with similar properties. This amino acid position is conserved. In addition, the in silico prediction for this alteration is inconclusive. Since supporting evidence is limited at this time, the clinical significance of this alteration remains unclear.